The following is an entry in ClinVar:

NM_002439.5(MSH3):c.845C>T (p.Thr282Ile)

Gene: MSH3 (mutS homolog 3; plus strand). Cytogenetic location: 5q14.1.
Variant type: single nucleotide variant.
Coding change: c.845C>T on transcript NM_002439.5 (MANE Select); coding-DNA position 845, C replaced by T.
Protein change: p.Thr282Ile; replaces threonine 282 with isoleucine.
Molecular consequence: missense variant.
Genome position (GRCh38, 1-based): chr5:80,672,296, C>T. VCF-style: chr5-80672296-C-T. GRCh37 (hg19) VCF-style: chr5-79968115-C-T.
Other names: short protein forms T282I.
Identifiers: ClinVar variation 653029 (VCV000653029.25), dbSNP rs202184623, ClinGen allele CA3327728.
Genomic context (GRCh38, chr5:80,672,296, plus strand): 5'-TTTTTTAGATTGCAGCCCGAGAGCTCAATATTTATTGCCATTTAGATCACAACTTTATGA[C>T]AGCAAGTATACCTACTCACAGACTGTTTGTTCATGTACGCCGCCTGGTGGCAAAAGGATA-3'
Protein context (NP_002430.3, residues 272-292): IYCHLDHNFM[Thr282Ile]ASIPTHRLFV

ClinVar aggregate classification (germline): Uncertain significance. Review status: criteria provided, multiple submitters, no conflicts (2 of 4 stars). 6 submissions from 6 submitters: Uncertain significance (6). Last evaluated 2026-01-14.

Conditions:
Endometrial carcinoma. Also called: Endometrial carcinoma, somatic. Identifiers: MedGen C0476089, MONDO:0002447, OMIM 608089, HP:0012114.
Hereditary cancer-predisposing syndrome. Also called: Hereditary Cancer Syndrome; Hereditary neoplastic syndrome; Tumor predisposition; Neoplastic Syndromes, Hereditary. Identifiers: Orphanet 140162, MedGen C0027672, MeSH D009386, MONDO:0015356.

Allele frequency attached by ClinVar (database versions not stated): gnomAD 0.00003 and 0.00004; TOPMed 0.00003; gnomAD exomes 0.00007 and 0.00006; ESP Exome Variant Server 0.00008; ExAC 0.00002.
gnomAD v4.1: 119 of 1,613,918 alleles (0.0074%); highest among the groups gnomAD compares: Admixed American, 0.012%; no homozygotes.

Submissions (6):

Labcorp Genetics (formerly Invitae), Labcorp
Classification: Uncertain significance. Last evaluated: 2026-01-14. Review status: criteria provided, single submitter. Criteria: Invitae Variant Classification Sherloc (09022015). Collection method: clinical testing. Allele origin: germline.
Comment: This sequence change replaces threonine, which is neutral and polar, with isoleucine, which is neutral and non-polar, at codon 282 of the MSH3 protein (p.Thr282Ile). This variant is present in population databases (rs202184623, gnomAD 0.02%). This missense change has been observed in individual(s) with endometrial cancer (PMID: 32634176). ClinVar contains an entry for this variant (Variation ID: 653029). An algorithm developed to predict the effect of missense changes on protein structure and function (PolyPhen-2) suggests that this variant is likely to be disruptive. In summary, the available evidence is currently insufficient to determine the role of this variant in disease. Therefore, it has been classified as a Variant of Uncertain Significance.

Ambry Genetics
Classification: Uncertain significance for Hereditary cancer-predisposing syndrome. Last evaluated: 2025-11-19. Review status: criteria provided, single submitter. Criteria: Ambry Variant Classification Scheme 2023. Collection method: clinical testing. Allele origin: germline.
Comment: The p.T282I variant (also known as c.845C>T), located in coding exon 5 of the MSH3 gene, results from a C to T substitution at nucleotide position 845. The threonine at codon 282 is replaced by isoleucine, an amino acid with similar properties. This amino acid position is highly conserved in available vertebrate species. In addition, the in silico prediction for this alteration is inconclusive. Based on the available evidence, the clinical significance of this variant remains unclear.

GeneDx
Classification: Uncertain significance. Last evaluated: 2025-08-07. Review status: criteria provided, single submitter. Criteria: GeneDx Variant Classification Process June 2021. Collection method: clinical testing. Allele origin: germline.
Comment: In silico analysis supports that this missense variant has a deleterious effect on protein structure/function; This variant is associated with the following publications: (PMID: 32634176, 38136308)

Center for Genomic Medicine, Rigshospitalet, Copenhagen University Hospital
Classification: Uncertain significance. Last evaluated: 2025-03-04. Review status: criteria provided, single submitter. Criteria: ACMG Guidelines, 2015. Collection method: clinical testing. Allele origin: germline.

Quest Diagnostics Nichols Institute San Juan Capistrano
Classification: Uncertain significance. Last evaluated: 2024-10-01. Review status: criteria provided, single submitter. Criteria: Quest Diagnostics criteria. Collection method: clinical testing. Allele origin: unknown.
Comment: The MSH3 c.845C>T (p.Thr282Ile) variant has been reported in the published literature in an individual with endometrial cancer (PMID: 32634176 (2020)) and an individual undergoing genetic testing for hereditary breast and/or ovarian cancer (PMID: 38136308 (2023)). The frequency of this variant in the general population, 0.000079 (9/113742 chromosomes (Genome Aggregation Database)), is uninformative in the assessment of its pathogenicity. Analysis of this variant using bioinformatics tools for the prediction of the effect of amino acid changes on protein structure and function yielded predictions that this variant is damaging. Based on the available information, we are unable to determine the clinical significance of this variant.

Baylor Genetics
Classification: Uncertain significance for Endometrial carcinoma. Last evaluated: 2024-01-31. Review status: criteria provided, single submitter. Criteria: ACMG Guidelines, 2015. Collection method: clinical testing. Allele origin: unknown.

Literature cited by the submitters: PubMed 32634176 (cited by 3 submitters); PubMed 38136308 (cited by Quest Diagnostics Nichols Institute San Juan Capistrano).